The following is an entry in ClinVar:

ClinVar aggregate classification (germline): Uncertain significance (1 of 4 stars; one submission).

Submission:

GeneDx
Classification: Uncertain significance. Last evaluated: 2025-08-07. Review status: criteria provided, single submitter. Criteria: GeneDx Variant Classification Process June 2021. Collection method: clinical testing. Allele origin: germline. Affected: yes.
Comment: Not observed at significant frequency in large population cohorts (gnomAD); In silico analysis suggests that this missense variant does not alter protein structure/function; Has not been previously published as pathogenic or benign to our knowledge

NM_006386.5(DDX17):c.20C>A (p.Ala7Asp)

Gene: DDX17 (DEAD-box helicase 17; minus strand). Cytogenetic location: 22q13.1.
Variant type: single nucleotide variant.
Coding change: c.20C>A on transcript NM_006386.5 (MANE Select); coding-DNA position 20, C replaced by A.
Protein change: p.Ala7Asp; replaces alanine 7 with aspartic acid.
Molecular consequence: missense variant.
Genome position (GRCh38, 1-based): chr22:38,506,218, G>T on the plus strand (C>A on the coding strand, the complement: DDX17 is on the minus strand). VCF-style: chr22-38506218-G-T. GRCh37 (hg19) VCF-style: chr22-38902223-G-T.
Other names: c.20C>A, p.Ala7Asp (NM_001098504.2); short protein forms A7D.
Identifiers: ClinVar variation 4755933 (VCV004755933.1).
Genomic context (GRCh38, chr22:38,506,218, plus strand): 5'-GCAGACGCCACCGTCGCCGCCTCTCTCGTCGGAGACGGGAGCAAAACACAGAGAATCGGG[G>T]CTACAAAGCCGGTGGGCAGGTTTGGCTACGCTCAAACCGGGCAGTGCCGCGGTTTAGGCG-3'
Protein context (NP_006377.2, residues 1-17): MPTGFV[Ala7Asp]PILCVLLPSP